The following is an entry in ClinVar:

ClinVar aggregate classification (germline): Benign/Likely benign. Review status: criteria provided, multiple submitters, no conflicts (2 of 4 stars). 3 submissions from 3 submitters: Benign (1); Likely benign (1). 1 of the submissions does not count toward it. Last evaluated 2025-09-27.

Conditions:
PIKFYVE-related disorder. Also called: PIKFYVE-related condition.

Allele frequency attached by ClinVar (database versions not stated): gnomAD exomes 0.00029; ExAC 0.00090; 1000 Genomes Project 0.00300; 1000 Genomes Project 30x 0.00312; gnomAD 0.00315; ESP Exome Variant Server 0.00361; TOPMed 0.00365.
gnomAD v4.1: 929 of 1,614,030 alleles (0.058%); highest among the groups gnomAD compares: African/African-American, 1.1%; 3 homozygotes.

Submissions (3):

Labcorp Genetics (formerly Invitae), Labcorp
Classification: Benign. Last evaluated: 2025-09-27. Review status: criteria provided, single submitter. Criteria: Invitae Variant Classification Sherloc (09022015). Collection method: clinical testing. Allele origin: germline.

CeGaT Center for Human Genetics Tuebingen
Classification: Likely benign. Last evaluated: 2025-09-01. Review status: criteria provided, single submitter. Criteria: CeGaT Center For Human Genetics Tuebingen Variant Classification Criteria Version 2. Collection method: clinical testing. Allele origin: germline. Affected: yes. Observed: 1 variant allele.
Comment: PIKFYVE: BS1

PreventionGenetics, part of Exact Sciences
Classification: Benign for PIKFYVE-related condition. Last evaluated: 2019-02-21. Review status: no assertion criteria provided. Collection method: clinical testing. Allele origin: germline. Not counted in ClinVar's aggregate classification.
Comment: This variant is classified as benign based on ACMG/AMP sequence variant interpretation guidelines (Richards et al. 2015 PMID: 25741868, with internal and published modifications).

NM_015040.4(PIKFYVE):c.2452C>T (p.Pro818Ser)

Gene: PIKFYVE (phosphoinositide kinase, FYVE-type zinc finger containing; plus strand). Cytogenetic location: 2q34.
Variant type: single nucleotide variant.
Coding change: c.2452C>T on transcript NM_015040.4 (MANE Select); coding-DNA position 2452, C replaced by T.
Protein change: p.Pro818Ser; replaces proline 818 with serine.
Molecular consequence: missense variant.
Genome position (GRCh38, 1-based): chr2:208,325,031, C>T. VCF-style: chr2-208325031-C-T. GRCh37 (hg19) VCF-style: chr2-209189755-C-T.
Other names: c.2452C>T (NM_015040.3); short protein forms P818S.
Identifiers: ClinVar variation 2698288 (VCV002698288.12), dbSNP rs142173910, ClinGen allele CA2079841.